The following is an entry in ClinVar:

ClinVar aggregate classification (germline): Uncertain significance (1 of 4 stars; one submission).

Submission:

Labcorp Genetics (formerly Invitae), Labcorp
Classification: Uncertain significance. Last evaluated: 2022-03-12. Review status: criteria provided, single submitter. Criteria: Invitae Variant Classification Sherloc (09022015). Collection method: clinical testing. Allele origin: germline.
Comment: In summary, the available evidence is currently insufficient to determine the role of this variant in disease. Therefore, it has been classified as a Variant of Uncertain Significance. Algorithms developed to predict the effect of sequence changes on RNA splicing suggest that this variant is not likely to affect RNA splicing. This variant has not been reported in the literature in individuals affected with CNOT1-related conditions. This variant is not present in population databases (gnomAD no frequency). This sequence change affects codon 959 of the CNOT1 mRNA. It is a 'silent' change, meaning that it does not change the encoded amino acid sequence of the CNOT1 protein. It affects a nucleotide within the consensus splice site.

NM_016284.5(CNOT1):c.2892A>G (p.Arg964=)

Gene: CNOT1 (CCR4-NOT transcription complex subunit 1; minus strand). Cytogenetic location: 16q21.
Variant type: single nucleotide variant.
Coding change: c.2892A>G on transcript NM_016284.5 (MANE Select); coding-DNA position 2892, A replaced by G.
Protein change: p.Arg964=; no amino-acid change (arginine 964 retained).
Molecular consequence: synonymous variant. On other transcripts: non-coding transcript variant (1).
Genome position (GRCh38, 1-based): chr16:58,553,860, T>C on the plus strand (A>G on the coding strand, the complement: CNOT1 is on the minus strand). VCF-style: chr16-58553860-T-C. GRCh37 (hg19) VCF-style: chr16-58587764-T-C.
Other names: c.2877A>G, p.Arg959= (NM_001265612.2); c.2892A>G, p.Arg964= (NM_206999.3).
Identifiers: ClinVar variation 2056919 (VCV002056919.4), dbSNP rs2543946546, ClinGen allele CA495819199.